The following is an entry in ClinVar:

ClinVar aggregate classification (germline): Likely benign (1 of 4 stars; one submission).

Allele frequency attached by ClinVar (database versions not stated): gnomAD exomes 0.00041; gnomAD 0.00353; 1000 Genomes Project 0.00379; TOPMed 0.00391; 1000 Genomes Project 30x 0.00515.
gnomAD v4.1: 967 of 1,141,666 alleles (0.085%); highest among the groups gnomAD compares: African/African-American, 1.2%; 9 homozygotes.

Submission:

GeneDx
Classification: Likely benign. Last evaluated: 2022-01-31. Review status: criteria provided, single submitter. Criteria: GeneDx Variant Classification Process June 2021. Collection method: clinical testing. Allele origin: germline. Affected: yes.
Comment: See Variant Classification Assertion Criteria.

NM_000235.4(LIPA):c.676-110G>A

Gene: LIPA (lipase A, lysosomal acid type; minus strand). Cytogenetic location: 10q23.31.
Variant type: single nucleotide variant.
Coding change: c.676-110G>A on transcript NM_000235.4 (MANE Select); 110 bases into the intron before coding-DNA position 676, G replaced by A.
Molecular consequence: intron variant.
Genome position (GRCh38, 1-based): chr10:89,223,940, C>T on the plus strand (G>A on the coding strand, the complement: LIPA is on the minus strand). VCF-style: chr10-89223940-C-T. GRCh37 (hg19) VCF-style: chr10-90983697-C-T.
Other names: c.328-110G>A (NM_001288979.2); c.676-110G>A (NM_001127605.3).
Identifiers: ClinVar variation 1801052 (VCV001801052.1), dbSNP rs73357745, ClinGen allele CA211366958.